The following is an entry in ClinVar:

NM_001354604.2(MITF):c.104+24163C>T

Gene: MITF (melanocyte inducing transcription factor; plus strand). Cytogenetic location: 3p13.
Variant type: single nucleotide variant.
Coding change: c.104+24163C>T on transcript NM_001354604.2 (MANE Select); 24163 bases into the intron after coding-DNA position 104, C replaced by T.
Molecular consequence: intron variant. On other transcripts: missense variant (1).
Genome position (GRCh38, 1-based): chr3:69,763,864, C>T. VCF-style: chr3-69763864-C-T. GRCh37 (hg19) VCF-style: chr3-69813015-C-T.
Other names: c.23C>T, p.Ser8Leu (NM_006722.3); c.-77+24163C>T (NM_001354607.2); c.-92+24163C>T (NM_001354608.2); c.104+24163C>T (NM_198159.3, NM_001354605.2, NM_001354606.2); c.-53+172C>T (NM_001184967.2); short protein forms S8L.
Identifiers: ClinVar variation 2653963 (VCV002653963.24), dbSNP rs927240385, ClinGen allele CA76981158.

ClinVar aggregate classification (germline): Likely benign (1 of 4 stars; one submission).

Allele frequency attached by ClinVar (database versions not stated): gnomAD 0.00001; gnomAD exomes 0.00001; TOPMed 0.00002.
gnomAD v4.1: 10 of 1,375,034 alleles (0.00073%); highest among the groups gnomAD compares: Admixed American, 0.0021%; no homozygotes.

Submission:

CeGaT Center for Human Genetics Tuebingen
Classification: Likely benign. Last evaluated: 2023-08-01. Review status: criteria provided, single submitter. Criteria: CeGaT Center For Human Genetics Tuebingen Variant Classification Criteria Version 2. Collection method: clinical testing. Allele origin: germline. Affected: yes. Observed: 1 variant allele.
Comment: MITF: BP4